The following is an entry in ClinVar:

NM_004836.7(EIF2AK3):c.1530C>A (p.Ile510=)

Gene: EIF2AK3 (eukaryotic translation initiation factor 2 alpha kinase 3; minus strand). Cytogenetic location: 2p11.2.
Variant type: single nucleotide variant.
Coding change: c.1530C>A on transcript NM_004836.7 (MANE Select); coding-DNA position 1530, C replaced by A.
Protein change: p.Ile510=; no amino-acid change (isoleucine 510 retained).
Molecular consequence: synonymous variant.
Genome position (GRCh38, 1-based): chr2:88,585,961, G>T on the plus strand (C>A on the coding strand, the complement: EIF2AK3 is on the minus strand). VCF-style: chr2-88585961-G-T. GRCh37 (hg19) VCF-style: chr2-88885479-G-T.
Other names: c.1077C>A, p.Ile359= (NM_001313915.2); c.1530C>A (NM_004836.6).
Identifiers: ClinVar variation 2794049 (VCV002794049.5), dbSNP rs1674719664, ClinGen allele CA427174006.

ClinVar aggregate classification (germline): Likely benign. Review status: criteria provided, single submitter (1 of 4 stars). 2 submissions from 2 submitters: Likely benign (1). 1 of the submissions does not count toward it. Last evaluated 2023-08-02.

Conditions:
EIF2AK3-related disorder. Also called: EIF2AK3-related condition.

Allele frequency attached by ClinVar (database versions not stated): gnomAD exomes below 0.00001; TOPMed below 0.00001.
gnomAD v4.1: 2 of 1,614,124 alleles (0.00012%); highest among the groups gnomAD compares: Non-Finnish European, 0.00017%; no homozygotes.

Submissions (2):

Labcorp Genetics (formerly Invitae), Labcorp
Classification: Likely benign. Last evaluated: 2023-08-02. Review status: criteria provided, single submitter. Criteria: Invitae Variant Classification Sherloc (09022015). Collection method: clinical testing. Allele origin: germline.

PreventionGenetics, part of Exact Sciences
Classification: Likely benign for EIF2AK3-related condition. Last evaluated: 2019-06-26. Review status: no assertion criteria provided. Collection method: clinical testing. Allele origin: germline. Not counted in ClinVar's aggregate classification.
Comment: This variant is classified as likely benign based on ACMG/AMP sequence variant interpretation guidelines (Richards et al. 2015 PMID: 25741868, with internal and published modifications).